The following is an entry in ClinVar:

ClinVar aggregate classification (germline): Uncertain significance (1 of 4 stars; one submission).

Conditions:
Pyogenic bacterial infections due to MyD88 deficiency (IMD68). Also called: PYOGENIC BACTERIAL INFECTIONS, RECURRENT, DUE TO MYD88 DEFICIENCY. Identifiers: Orphanet 183713, MedGen C2677092, MONDO:0012839, OMIM 612260.

Allele frequency attached by ClinVar (database versions not stated): gnomAD exomes below 0.00001; gnomAD 0.00001.
gnomAD v4.1: 2 of 1,567,182 alleles (0.00013%); highest among the groups gnomAD compares: African/African-American, 0.0014%; no homozygotes.

Submission:

Labcorp Genetics (formerly Invitae), Labcorp
Classification: Uncertain significance for Pyogenic bacterial infections due to MyD88 deficiency. Last evaluated: 2021-07-17. Review status: criteria provided, single submitter. Criteria: Invitae Variant Classification Sherloc (09022015). Collection method: clinical testing. Allele origin: germline.
Comment: This variant has not been reported in the literature in individuals affected with MYD88-related conditions. This sequence change replaces arginine with leucine at codon 5 of the MYD88 protein (p.Arg5Leu). The arginine residue is weakly conserved and there is a moderate physicochemical difference between arginine and leucine. This variant is not present in population databases (ExAC no frequency). Algorithms developed to predict the effect of missense changes on protein structure and function output the following: SIFT: "Tolerated"; PolyPhen-2: "Benign"; Align-GVGD: "Class C0". The leucine amino acid residue is found in multiple mammalian species, which suggests that this missense change does not adversely affect protein function. In summary, the available evidence is currently insufficient to determine the role of this variant in disease. Therefore, it has been classified as a Variant of Uncertain Significance.

NM_002468.5(MYD88):c.-26G>T

Gene: MYD88 (MYD88 innate immune signal transduction adaptor; plus strand). Cytogenetic location: 3p22.2.
Variant type: single nucleotide variant.
Coding change: c.-26G>T on transcript NM_002468.5 (MANE Select); 26 bases upstream of the start codon, G replaced by T.
Molecular consequence: 5 prime UTR variant.
Genome position (GRCh38, 1-based): chr3:38,138,675, G>T. VCF-style: chr3-38138675-G-T. GRCh37 (hg19) VCF-style: chr3-38180166-G-T.
Other names: c.-26G>T (NM_001172566.2, NM_001172567.2, NM_001172568.2 and 4 more transcripts).
Identifiers: ClinVar variation 1368280 (VCV001368280.8), dbSNP rs1700983375, ClinGen allele CA352127098.